The following is an entry in ClinVar:

NM_052947.4(ALPK2):c.2474G>C (p.Arg825Thr)

Gene: ALPK2 (alpha kinase 2; minus strand). Cytogenetic location: 18q21.31.
Variant type: single nucleotide variant.
Coding change: c.2474G>C on transcript NM_052947.4 (MANE Select); coding-DNA position 2474, G replaced by C.
Protein change: p.Arg825Thr; replaces arginine 825 with threonine.
Molecular consequence: missense variant.
Genome position (GRCh38, 1-based): chr18:58,537,713, C>G on the plus strand (G>C on the coding strand, the complement: ALPK2 is on the minus strand). VCF-style: chr18-58537713-C-G. GRCh37 (hg19) VCF-style: chr18-56204945-C-G.
Other names: short protein forms R825T.
Identifiers: ClinVar variation 3058921 (VCV003058921.2), dbSNP rs3809972, ClinGen allele CA8977068.

ClinVar aggregate classification (germline): Benign (0 of 4 stars; one submission).

Conditions:
ALPK2-related disorder. Also called: ALPK2-related condition.

Allele frequency attached by ClinVar (database versions not stated): 1000 Genomes Project 0.40415; 1000 Genomes Project 30x 0.40709; ExAC 0.46866; TOPMed 0.48381; gnomAD 0.49103; ESP Exome Variant Server 0.50538; gnomAD exomes 0.52497.
gnomAD v4.1: 835,805 of 1,604,674 alleles (52%); highest among the groups gnomAD compares: Non-Finnish European, 56%; 223,522 homozygotes.

Submission:

PreventionGenetics, part of Exact Sciences
Classification: Benign for ALPK2-related condition. Last evaluated: 2019-10-17. Review status: no assertion criteria provided. Collection method: clinical testing. Allele origin: germline.
Comment: This variant is classified as benign based on ACMG/AMP sequence variant interpretation guidelines (Richards et al. 2015 PMID: 25741868, with internal and published modifications).